The following is an entry in ClinVar:

NM_006885.4(ZFHX3):c.9582A>G (p.Gln3194=)

Genes: ZFHX3 (zinc finger homeobox 3; minus strand), ZFHX3-AS1 (ZFHX3 antisense RNA 1; plus strand). Cytogenetic location: 16q22.2.
Variant type: single nucleotide variant.
Coding change: c.9582A>G on transcript NM_006885.4 (MANE Select); coding-DNA position 9582, A replaced by G.
Protein change: p.Gln3194=; no amino-acid change (glutamine 3194 retained).
Molecular consequence: synonymous variant.
Genome position (GRCh38, 1-based): chr16:72,788,694, T>C on the plus strand (A>G on the coding strand, the complement: ZFHX3 is on the minus strand). VCF-style: chr16-72788694-T-C. GRCh37 (hg19) VCF-style: chr16-72822593-T-C.
Other names: c.6840A>G, p.Gln2280= (NM_001164766.2); c.9582A>G, p.Gln3194= (NM_001386735.1).
Identifiers: ClinVar variation 3234463 (VCV003234463.20), dbSNP rs28592888, ClinGen allele CA496418139.
Genomic context (GRCh38, chr16:72,788,694, plus strand): 5'-TGGCGGCGGGGGAGGCTGCTGCACCTGTGGTTGCTGCTGCTGCTGCTGCTGCTGGGGGGG[T>C]TGCTGAGGGCCCATCGCCATCGTGGCTTGTGCTGGGGTTGGGGAGCTCAGCGACGCTGAG-3'
Protein context (NP_008816.3, residues 3184-3204): AQATMAMGPQ[Gln3194=]PPQQQQQQQQ

ClinVar aggregate classification (germline): Likely benign (1 of 4 stars; one submission).

Allele frequency attached by ClinVar (database versions not stated): gnomAD exomes below 0.00001; TOPMed below 0.00001.
gnomAD v4.1: 4 of 1,611,620 alleles (0.00025%); highest among the groups gnomAD compares: Non-Finnish European, 0.00034%; no homozygotes.

Submission:

CeGaT Center for Human Genetics Tuebingen
Classification: Likely benign. Last evaluated: 2024-04-01. Review status: criteria provided, single submitter. Criteria: CeGaT Center For Human Genetics Tuebingen Variant Classification Criteria Version 2. Collection method: clinical testing. Allele origin: germline. Affected: yes. Observed: 1 variant allele.
Comment: ZFHX3: PM2:Supporting, BP4, BP7